The following is an entry in ClinVar:

ClinVar aggregate classification (germline): Likely benign. Review status: criteria provided, multiple submitters, no conflicts (2 of 4 stars). 3 submissions from 3 submitters: Likely benign (3). Last evaluated 2026-01-26.

Conditions:
Atypical hemolytic-uremic syndrome with C3 anomaly. Also called: AHUS, SUSCEPTIBILITY TO, 5. Identifiers: Orphanet 2134, MedGen C2752037, MONDO:0013043, OMIM 612925.
Complement component 3 deficiency. Identifiers: Orphanet 280133, MedGen C3151071, MONDO:0013417, OMIM 613779.
Age related macular degeneration 9. Identifiers: MedGen C1969651, MONDO:0012659, OMIM 611378.

Allele frequency attached by ClinVar (database versions not stated): ExAC 0.00003.
gnomAD v4.1: 35 of 1,613,830 alleles (0.0022%); highest among the groups gnomAD compares: South Asian, 0.0077%; no homozygotes.

Submissions (3):

Labcorp Genetics (formerly Invitae), Labcorp
Classification: Likely benign. Last evaluated: 2026-01-26. Review status: criteria provided, single submitter. Criteria: Invitae Variant Classification Sherloc (09022015). Collection method: clinical testing. Allele origin: germline.

CeGaT Center for Human Genetics Tuebingen
Classification: Likely benign. Last evaluated: 2022-08-01. Review status: criteria provided, single submitter. Criteria: CeGaT Center For Human Genetics Tuebingen Variant Classification Criteria Version 2. Collection method: clinical testing. Allele origin: germline. Affected: yes. Observed: 1 variant allele.
Comment: C3: BP4, BP7

Fulgent Genetics
Classification: Likely benign for Age related macular degeneration 9; Atypical hemolytic-uremic syndrome with C3 anomaly; Complement component 3 deficiency. Last evaluated: 2022-03-25. Review status: criteria provided, single submitter. Criteria: ACMG Guidelines, 2015. Collection method: clinical testing. Allele origin: unknown.

NM_000064.4(C3):c.1920C>T (p.Ser640=)

Gene: C3 (complement C3; minus strand). Cytogenetic location: 19p13.3.
Variant type: single nucleotide variant.
Coding change: c.1920C>T on transcript NM_000064.4 (MANE Select); coding-DNA position 1920, C replaced by T.
Protein change: p.Ser640=; no amino-acid change (serine 640 retained).
Molecular consequence: synonymous variant.
Genome position (GRCh38, 1-based): chr19:6,707,855, G>A on the plus strand (C>T on the coding strand, the complement: C3 is on the minus strand). VCF-style: chr19-6707855-G-A. GRCh37 (hg19) VCF-style: chr19-6707866-G-A.
Identifiers: ClinVar variation 1587710 (VCV001587710.33), dbSNP rs139693406, ClinGen allele CA9129273.